The following is an entry in ClinVar:

NM_033198.4(PIGS):c.1214C>T (p.Pro405Leu)

Gene: PIGS (phosphatidylinositol glycan anchor biosynthesis class S; minus strand). Cytogenetic location: 17q11.2.
Variant type: single nucleotide variant.
Coding change: c.1214C>T on transcript NM_033198.4 (MANE Select); coding-DNA position 1214, C replaced by T.
Protein change: p.Pro405Leu; replaces proline 405 with leucine.
Molecular consequence: missense variant.
Genome position (GRCh38, 1-based): chr17:28,555,029, G>A on the plus strand (C>T on the coding strand, the complement: PIGS is on the minus strand). VCF-style: chr17-28555029-G-A. GRCh37 (hg19) VCF-style: chr17-26882047-G-A.
Other names: short protein forms P405L.
Identifiers: ClinVar variation 4085869 (VCV004085869.8).

ClinVar aggregate classification (germline): Uncertain significance (1 of 4 stars; one submission).

gnomAD v4.1: 1 of 1,611,862 alleles (0.000062%); highest among the groups gnomAD compares: Non-Finnish European, 0.000085%; no homozygotes.

Submission:

CeGaT Center for Human Genetics Tuebingen
Classification: Uncertain significance. Last evaluated: 2025-08-01. Review status: criteria provided, single submitter. Criteria: CeGaT Center For Human Genetics Tuebingen Variant Classification Criteria Version 2. Collection method: clinical testing. Allele origin: germline. Affected: yes. Observed: 1 variant allele.
Comment: PIGS: PM2, BP4